The following is an entry in ClinVar:

ClinVar aggregate classification (germline): Likely benign. Review status: criteria provided, single submitter (1 of 4 stars). 2 submissions from 2 submitters: Likely benign (1). 1 of the submissions does not count toward it. Last evaluated 2025-06-05.

Conditions:
EPS8L2-related disorder. Also called: EPS8L2-related condition.

Allele frequency attached by ClinVar (database versions not stated): ESP Exome Variant Server 0.00008; gnomAD 0.00030; TOPMed 0.00032; 1000 Genomes Project 0.00040; 1000 Genomes Project 30x 0.00047.

Submissions (2):

Labcorp Genetics (formerly Invitae), Labcorp
Classification: Likely benign. Last evaluated: 2025-06-05. Review status: criteria provided, single submitter. Criteria: Invitae Variant Classification Sherloc (09022015). Collection method: clinical testing. Allele origin: germline.

PreventionGenetics, part of Exact Sciences
Classification: Likely benign for EPS8L2-related condition. Last evaluated: 2019-02-18. Review status: no assertion criteria provided. Collection method: clinical testing. Allele origin: germline. Not counted in ClinVar's aggregate classification.
Comment: This variant is classified as likely benign based on ACMG/AMP sequence variant interpretation guidelines (Richards et al. 2015 PMID: 25741868, with internal and published modifications).

NM_022772.4(EPS8L2):c.787C>T (p.Leu263=)

Gene: EPS8L2 (EPS8 signaling adaptor L2; plus strand). Cytogenetic location: 11p15.5.
Variant type: single nucleotide variant.
Coding change: c.787C>T on transcript NM_022772.4 (MANE Select); coding-DNA position 787, C replaced by T.
Protein change: p.Leu263=; no amino-acid change (leucine 263 retained).
Molecular consequence: synonymous variant.
Genome position (GRCh38, 1-based): chr11:721,583, C>T. VCF-style: chr11-721583-C-T. GRCh37 (hg19) VCF-style: chr11-721583-C-T.
Other names: c.787C>T (NM_022772.3).
Identifiers: ClinVar variation 1906199 (VCV001906199.7), dbSNP rs144181589, ClinGen allele CA5787267.